The following is an entry in ClinVar:

NM_001329943.3(KIAA0586):c.1474A>T (p.Arg492Ter)

Gene: KIAA0586 (KIAA0586; plus strand). Cytogenetic location: 14q23.1.
Variant type: single nucleotide variant.
Coding change: c.1474A>T on transcript NM_001329943.3 (MANE Select); coding-DNA position 1474, A replaced by T.
Protein change: p.Arg492Ter; replaces arginine 492 with a stop codon.
Molecular consequence: nonsense.
Genome position (GRCh38, 1-based): chr14:58,457,870, A>T. VCF-style: chr14-58457870-A-T. GRCh37 (hg19) VCF-style: chr14-58924588-A-T.
Other names: c.1633A>T, p.Arg545Ter (NM_001244189.2); c.1429A>T, p.Arg477Ter (NM_001244190.2); c.1219A>T, p.Arg407Ter (NM_001244191.2, NM_001329945.2, NM_001364700.1 and 1 more transcripts); c.1342A>T, p.Arg448Ter (NM_001244192.2); c.1054A>T, p.Arg352Ter (NM_001244193.2); c.1474A>T, p.Arg492Ter (NM_001329944.2, NM_001329946.2, NM_001329947.2 and 1 more transcripts); short protein forms R477*, R492*, R448*, R407*, R352*, R545*.
Identifiers: ClinVar variation 5005331 (VCV005005331.2).

ClinVar aggregate classification (germline): Likely pathogenic (1 of 4 stars; one submission).

Conditions:
Short-rib thoracic dysplasia 14 with polydactyly (SRTD14). Identifiers: Orphanet 397715, MedGen C4225286, MONDO:0014688, OMIM 616546.
Joubert syndrome 23 (JBTS23). Identifiers: Orphanet 475, MedGen C4084822, MONDO:0014664, OMIM 616490.

gnomAD v4.1: 1 of 1,607,818 alleles (0.000062%); highest among the groups gnomAD compares: East Asian, 0.0022%; no homozygotes.

Submission:

Juno Genomics, Hangzhou Juno Genomics, Inc
Classification: Likely pathogenic for Joubert syndrome 23; Short-rib thoracic dysplasia 14 with polydactyly. Review status: criteria provided, single submitter. Criteria: ACMG Guidelines, 2015. Collection method: clinical testing. Allele origin: germline.
Comment: Null variant in a gene where loss of function (LOF) is a known mechanism of disease.;Absent from controls (or at extremely low frequency if recessive) in Genome Aggregation Database.